The following is an entry in ClinVar:

NM_002485.5(NBN):c.1187T>C (p.Leu396Pro)

Gene: NBN (nibrin; minus strand). Cytogenetic location: 8q21.3.
Variant type: single nucleotide variant.
Coding change: c.1187T>C on transcript NM_002485.5 (MANE Select); coding-DNA position 1187, T replaced by C.
Protein change: p.Leu396Pro; replaces leucine 396 with proline.
Molecular consequence: missense variant.
Genome position (GRCh38, 1-based): chr8:89,955,493, A>G on the plus strand (T>C on the coding strand, the complement: NBN is on the minus strand). VCF-style: chr8-89955493-A-G. GRCh37 (hg19) VCF-style: chr8-90967721-A-G.
Other names: c.941T>C, p.Leu314Pro (NM_001024688.3); short protein forms L314P, L396P.
Identifiers: ClinVar variation 925894 (VCV000925894.9), dbSNP rs182030463, ClinGen allele CA4802784.

ClinVar aggregate classification (germline): Uncertain significance. Review status: criteria provided, multiple submitters, no conflicts (2 of 4 stars). 2 submissions from 2 submitters: Uncertain significance (2). Last evaluated 2021-11-07.

Conditions:
Microcephaly, normal intelligence and immunodeficiency (NBS). Also called: Nijmegen breakage syndrome; Microcephaly with normal intelligence immunodeficiency and lymphoreticular malignancies; Nonsyndromal microcephaly autosomal recessive with normal intelligence; Seemanova syndrome 2; IMMUNODEFICIENCY, MICROCEPHALY, AND CHROMOSOMAL INSTABILITY; SEEMANOVA SYNDROME II. Identifiers: Orphanet 647, MedGen C0398791, MONDO:0009623, OMIM 251260.

Allele frequency attached by ClinVar (database versions not stated): gnomAD exomes below 0.00001; ExAC 0.00001; 1000 Genomes Project 30x 0.00016; 1000 Genomes Project 0.00020.

Submissions (2):

Genome-Nilou Lab
Classification: Uncertain significance for Microcephaly, normal intelligence and immunodeficiency. Last evaluated: 2021-11-07. Review status: criteria provided, single submitter. Criteria: ACMG Guidelines, 2015. Collection method: clinical testing. Allele origin: germline. Affected: no.

Labcorp Genetics (formerly Invitae), Labcorp
Classification: Uncertain significance for Microcephaly, normal intelligence and immunodeficiency. Last evaluated: 2021-10-28. Review status: criteria provided, single submitter. Criteria: Invitae Variant Classification Sherloc (09022015). Collection method: clinical testing. Allele origin: germline.
Comment: This sequence change replaces leucine, which is neutral and non-polar, with proline, which is neutral and non-polar, at codon 396 of the NBN protein (p.Leu396Pro). This variant is not present in population databases (gnomAD no frequency). This variant has not been reported in the literature in individuals affected with NBN-related conditions. ClinVar contains an entry for this variant (Variation ID: 925894). Algorithms developed to predict the effect of missense changes on protein structure and function output the following: SIFT: "Tolerated"; PolyPhen-2: "Benign"; Align-GVGD: "Class C0". The proline amino acid residue is found in multiple mammalian species, which suggests that this missense change does not adversely affect protein function. In summary, the available evidence is currently insufficient to determine the role of this variant in disease. Therefore, it has been classified as a Variant of Uncertain Significance.